The following is an entry in ClinVar:

NM_022124.6(CDH23):c.5807G>A (p.Arg1936His)

Gene: CDH23 (cadherin related 23; plus strand). Cytogenetic location: 10q22.1.
Variant type: single nucleotide variant.
Coding change: c.5807G>A on transcript NM_022124.6 (MANE Select); coding-DNA position 5807, G replaced by A.
Protein change: p.Arg1936His; replaces arginine 1936 with histidine.
Molecular consequence: missense variant.
Genome position (GRCh38, 1-based): chr10:71,785,725, G>A. VCF-style: chr10-71785725-G-A. GRCh37 (hg19) VCF-style: chr10-73545482-G-A.
Other names: short protein forms R1936H.
Identifiers: ClinVar variation 517595 (VCV000517595.10), dbSNP rs558551826, ClinGen allele CA5545879.

ClinVar aggregate classification (germline): Uncertain significance. Review status: criteria provided, multiple submitters, no conflicts (2 of 4 stars). 6 submissions from 6 submitters: Uncertain significance (5). 1 of the submissions does not count toward it. Last evaluated 2026-07-01.

Conditions:
Inborn genetic diseases. Identifiers: MedGen C0950123, MeSH D030342.
Usher syndrome type 1 (USH1). Also called: RETINITIS PIGMENTOSA AND CONGENITAL DEAFNESS. Identifiers: Orphanet 231169, Orphanet 886, MedGen C1568247, MONDO:0010168, OMIM 276900.

Allele frequency attached by ClinVar (database versions not stated): TOPMed 0.00002; gnomAD 0.00004 and 0.00006; gnomAD exomes 0.00005; ExAC 0.00012; 1000 Genomes Project 30x 0.00016; 1000 Genomes Project 0.00020.
gnomAD v4.1: 84 of 1,601,428 alleles (0.0052%); highest among the groups gnomAD compares: South Asian, 0.028%; no homozygotes.

Submissions (6):

CeGaT Center for Human Genetics Tuebingen
Classification: Uncertain significance. Last evaluated: 2026-07-01. Review status: criteria provided, single submitter. Criteria: CeGaT Center For Human Genetics Tuebingen Variant Classification Criteria Version 2. Collection method: clinical testing. Allele origin: germline. Affected: yes. Observed: 1 variant allele.
Comment: CDH23: PM2

GeneDx
Classification: Uncertain significance. Last evaluated: 2024-07-09. Review status: criteria provided, single submitter. Criteria: GeneDx Variant Classification Process June 2021. Collection method: clinical testing. Allele origin: germline. Affected: yes.
Comment: In silico analysis supports that this missense variant has a deleterious effect on protein structure/function; Has not been previously published as pathogenic or benign to our knowledge

Labcorp Genetics (formerly Invitae), Labcorp
Classification: Uncertain significance. Last evaluated: 2022-07-12. Review status: criteria provided, single submitter. Criteria: Invitae Variant Classification Sherloc (09022015). Collection method: clinical testing. Allele origin: germline.
Comment: This sequence change replaces arginine, which is basic and polar, with histidine, which is basic and polar, at codon 1936 of the CDH23 protein (p.Arg1936His). This variant is present in population databases (rs558551826, gnomAD 0.02%). This variant has not been reported in the literature in individuals affected with CDH23-related conditions. ClinVar contains an entry for this variant (Variation ID: 517595). Algorithms developed to predict the effect of missense changes on protein structure and function are either unavailable or do not agree on the potential impact of this missense change (SIFT: "Deleterious"; PolyPhen-2: "Not Available"; Align-GVGD: "Class C25"). In summary, the available evidence is currently insufficient to determine the role of this variant in disease. Therefore, it has been classified as a Variant of Uncertain Significance.

Ambry Genetics
Classification: Uncertain significance for Inborn genetic diseases. Last evaluated: 2022-05-11. Review status: criteria provided, single submitter. Criteria: Ambry Variant Classification Scheme 2023. Collection method: clinical testing. Allele origin: germline.

Laboratory for Molecular Medicine, Mass General Brigham Personalized Medicine
Classification: Uncertain significance. Last evaluated: 2017-09-29. Review status: criteria provided, single submitter. Criteria: LMM Criteria. Collection method: clinical testing. Allele origin: germline. Observed: 1 variant allele.
Comment: The p.Arg1936His variant in CDH23 has not been previously reported in individual s with hearing loss or Usher syndrome, but has been identified in 7/28012 South Asian chromosomes by the Genome Aggregation Database (gnomAD; dbSNP rs558551826). Although this variant has been seen in the general population, its frequency is not high enough to rule out a pathogenic ro le. Computational prediction tools and conservation analysis suggest that the va riant may impact the protein, though this information is not predictive enough t o determine pathogenicity. In summary, the clinical significance of the p.Arg193 6His variant is uncertain. ACMG/AMP Criteria applied: PM2; PP3 (Richards 2015).

Natera, Inc.
Classification: Uncertain significance for Usher syndrome type 1. Last evaluated: 2019-10-28. Review status: no assertion criteria provided. Collection method: clinical testing. Allele origin: germline. Not counted in ClinVar's aggregate classification.